The following is an entry in ClinVar:

NM_004415.4(DSP):c.1142T>C (p.Phe381Ser)

Gene: DSP (desmoplakin; plus strand). Cytogenetic location: 6p24.3.
Variant type: single nucleotide variant.
Coding change: c.1142T>C on transcript NM_004415.4 (MANE Select); coding-DNA position 1142, T replaced by C.
Protein change: p.Phe381Ser; replaces phenylalanine 381 with serine.
Molecular consequence: missense variant.
Genome position (GRCh38, 1-based): chr6:7,567,782, T>C. VCF-style: chr6-7567782-T-C. GRCh37 (hg19) VCF-style: chr6-7568015-T-C.
Other names: c.1142T>C (LRG_423t1); c.1142T>C, p.Phe381Ser (NM_001008844.3, NM_001319034.2); short protein forms F381S.
Identifiers: ClinVar variation 574100 (VCV000574100.11), dbSNP rs1209991251, ClinGen allele CA362675897.

ClinVar aggregate classification (germline): Uncertain significance. Review status: criteria provided, multiple submitters, no conflicts (2 of 4 stars). 3 submissions from 3 submitters: Uncertain significance (3). Last evaluated 2025-08-17.

Conditions:
Arrhythmogenic cardiomyopathy with wooly hair and keratoderma. Also called: PALMOPLANTAR KERATODERMA WITH LEFT VENTRICULAR CARDIOMYOPATHY AND WOOLLY HAIR; Arrhythmogenic cardiomyopathy with woolly hair and keratoderma; Carvajal syndrome; Dilated cardiomyopathy with woolly hair and keratoderma. Identifiers: Orphanet 65282, MedGen C1854063, MONDO:0011581, OMIM 605676.
Arrhythmogenic right ventricular dysplasia 8 (ARVD8). Also called: Arrhythmogenic Right Ventricular Dysplasia/Cardiomyopathy 8; ARRHYTHMOGENIC RIGHT VENTRICULAR DYSPLASIA, FAMILIAL, 8; ARRHYTHMOGENIC RIGHT VENTRICULAR CARDIOMYOPATHY 8. Identifiers: MedGen C1843896, MONDO:0011831, OMIM 607450.
Cardiovascular phenotype. Identifiers: MedGen CN230736.

Submissions (3):

Labcorp Genetics (formerly Invitae), Labcorp
Classification: Uncertain significance for Arrhythmogenic cardiomyopathy with wooly hair and keratoderma; Arrhythmogenic right ventricular dysplasia 8. Last evaluated: 2025-08-17. Review status: criteria provided, single submitter. Criteria: Invitae Variant Classification Sherloc (09022015). Collection method: clinical testing. Allele origin: germline.
Comment: This sequence change replaces phenylalanine, which is neutral and non-polar, with serine, which is neutral and polar, at codon 381 of the DSP protein (p.Phe381Ser). This variant is not present in population databases (gnomAD no frequency). This variant has not been reported in the literature in individuals affected with DSP-related conditions. ClinVar contains an entry for this variant (Variation ID: 574100). An algorithm developed to predict the effect of missense changes on protein structure and function (PolyPhen-2) suggests that this variant is likely to be disruptive. In summary, the available evidence is currently insufficient to determine the role of this variant in disease. Therefore, it has been classified as a Variant of Uncertain Significance.

Ambry Genetics
Classification: Uncertain significance for Cardiovascular phenotype. Last evaluated: 2025-05-24. Review status: criteria provided, single submitter. Criteria: Ambry Variant Classification Scheme 2023. Collection method: clinical testing. Allele origin: germline.
Comment: The p.F381S variant (also known as c.1142T>C), located in coding exon 10 of the DSP gene, results from a T to C substitution at nucleotide position 1142. The phenylalanine at codon 381 is replaced by serine, an amino acid with highly dissimilar properties. This amino acid position is conserved. In addition, this alteration is predicted to be deleterious by in silico analysis. Based on the available evidence, the clinical significance of this variant remains unclear.

All of Us Research Program, National Institutes of Health
Classification: Uncertain significance for Arrhythmogenic cardiomyopathy with wooly hair and keratoderma. Last evaluated: 2023-06-26. Review status: criteria provided, single submitter. Criteria: ACMG Guidelines, 2015. Collection method: clinical testing. Allele origin: germline. Inheritance: Autosomal dominant inheritance. Observed: 1 variant allele, 1 heterozygote.
Comment: This missense variant replaces phenylalanine with serine at codon 381 of the DSP protein. Computational prediction suggests that this variant may have deleterious impact on protein structure and function (internally defined REVEL score threshold >= 0.7, PMID: 27666373). To our knowledge, functional studies have not been reported for this variant. This variant has not been reported in individuals affected with DSP-related disorders in the literature. This variant has not been identified in the general population by the Genome Aggregation Database (gnomAD). The available evidence is insufficient to determine the role of this variant in disease conclusively. Therefore, this variant is classified as a Variant of Uncertain Significance.

This study involves interpretation of variants in research participants for the purpose of population health screening. Participant phenotype was not available at the time of variant classification. Additional details can be found in publication PMID: 35346344, PMCID: PMC8962531